The following is an entry in ClinVar:

NM_024721.5(ZFHX4):c.7749C>T (p.Asp2583=)

Gene: ZFHX4 (zinc finger homeobox 4; plus strand). Cytogenetic location: 8q21.13.
Variant type: single nucleotide variant.
Coding change: c.7749C>T on transcript NM_024721.5 (MANE Select); coding-DNA position 7749, C replaced by T.
Protein change: p.Asp2583=; no amino-acid change (aspartic acid 2583 retained).
Molecular consequence: synonymous variant.
Genome position (GRCh38, 1-based): chr8:76,854,670, C>T. VCF-style: chr8-76854670-C-T. GRCh37 (hg19) VCF-style: chr8-77766906-C-T.
Other names: c.7671C>T, p.Asp2557= (NM_001410934.1).
Identifiers: ClinVar variation 3052499 (VCV003052499.3), dbSNP rs374283630, ClinGen allele CA4788033.

ClinVar aggregate classification (germline): Likely benign. Review status: criteria provided, single submitter (1 of 4 stars). 2 submissions from 2 submitters: Likely benign (1). 1 of the submissions does not count toward it. Last evaluated 2024-10-31.

Conditions:
ZFHX4-related disorder. Also called: ZFHX4-related condition.

Allele frequency attached by ClinVar (database versions not stated): ESP Exome Variant Server 0.00025; TOPMed 0.00031; gnomAD 0.00033; ExAC 0.00037.
gnomAD v4.1: 1,160 of 1,613,432 alleles (0.072%); highest among the groups gnomAD compares: Non-Finnish European, 0.093%; no homozygotes.

Submissions (2):

Blueprint Genetics
Classification: Likely benign. Last evaluated: 2024-10-31. Review status: criteria provided, single submitter. Criteria: ACMG Guidelines, 2015. Collection method: clinical testing. Allele origin: germline.

PreventionGenetics, part of Exact Sciences
Classification: Likely benign for ZFHX4-related condition. Last evaluated: 2019-09-05. Review status: no assertion criteria provided. Collection method: clinical testing. Allele origin: germline. Not counted in ClinVar's aggregate classification.
Comment: This variant is classified as likely benign based on ACMG/AMP sequence variant interpretation guidelines (Richards et al. 2015 PMID: 25741868, with internal and published modifications).